The following is an entry in ClinVar:

NM_003410.4(ZFX):c.1993G>A (p.Asp665Asn)

Gene: ZFX (zinc finger protein X-linked; plus strand). Cytogenetic location: Xp22.11.
Variant type: single nucleotide variant.
Coding change: c.1993G>A on transcript NM_003410.4 (MANE Select); coding-DNA position 1993, G replaced by A.
Protein change: p.Asp665Asn; replaces aspartic acid 665 with asparagine.
Molecular consequence: missense variant. On other transcripts: 3 prime UTR variant (1).
Genome position (GRCh38, 1-based): chrX:24,210,951, G>A. VCF-style: chrX-24210951-G-A. GRCh37 (hg19) VCF-style: chrX-24229068-G-A.
Other names: c.1993G>A, p.Asp665Asn (NM_001178084.2, NM_001178085.1); c.1306G>A, p.Asp436Asn (NM_001178086.2); c.*753G>A (NM_001178095.2); c.2110G>A, p.Asp704Asn (NM_001330327.2); short protein forms D436N, D665N, D704N.
Identifiers: ClinVar variation 4527679 (VCV004527679.2).

ClinVar aggregate classification (germline): Uncertain significance (1 of 4 stars; one submission).

Submission:

GeneDx
Classification: Uncertain significance. Last evaluated: 2025-12-31. Review status: criteria provided, single submitter. Criteria: GeneDx Variant Classification Process June 2021. Collection method: clinical testing. Allele origin: germline.
Comment: Not observed at significant frequency in large population cohorts (gnomAD); In silico analysis suggests that this missense variant does not alter protein structure/function; Has not been previously published as pathogenic or benign to our knowledge